The following is an entry in ClinVar:

NM_004287.5(GOSR2):c.20A>G (p.Gln7Arg)

Genes: GOSR2 (golgi SNAP receptor complex member 2; plus strand), LRRC37A2 (leucine rich repeat containing 37 member A2). Cytogenetic location: 17q21.32.
Variant type: single nucleotide variant.
Coding change: c.20A>G on transcript NM_004287.5 (MANE Select); coding-DNA position 20, A replaced by G.
Protein change: p.Gln7Arg; replaces glutamine 7 with arginine.
Molecular consequence: missense variant. On other transcripts: 5 prime UTR variant (2), non-coding transcript variant (3).
Genome position (GRCh38, 1-based): chr17:46,923,212, A>G. VCF-style: chr17-46923212-A-G. GRCh37 (hg19) VCF-style: chr17-45000578-A-G.
Other names: c.20A>G, p.Gln7Arg (NM_001012511.3, NM_001321133.2, NM_001330252.2 and 4 more transcripts); c.-83A>G (NM_001321134.2); c.-446A>G (NM_001363851.2); short protein forms Q7R.
Identifiers: ClinVar variation 947346 (VCV000947346.8), dbSNP rs2085951116, ClinGen allele CA400015709.
Genomic context (GRCh38, chr17:46,923,212, plus strand): 5'-AGGAAGCCAGAGCCGGAGCCGTGGCCTGCGGGGCCGGCGACATGGATCCCCTGTTCCAGC[A>G]AACGCACAAGTGAGGGCCGGTCGGGGAGCGGGCAGGGGCTAGACGAGGCGAGGCCAGGTG-3'
Protein context (NP_004278.2, residues 1-17): MDPLFQ[Gln7Arg]THKQVHEIQS

ClinVar aggregate classification (germline): Uncertain significance (1 of 4 stars; one submission).

Conditions:
Progressive myoclonic epilepsy. Also called: Myoclonus epilepsy; Progressive myoclonus epilepsy; Familial progressive myoclonic epilepsy; Myoclonic Epilepsies, Progressive. Identifiers: Orphanet 308, Orphanet 98261, MedGen C0751778, MONDO:0020074.

Allele frequency attached by ClinVar (database versions not stated): gnomAD exomes below 0.00001.
gnomAD v4.1: 3 of 1,550,542 alleles (0.00019%); highest among the groups gnomAD compares: East Asian, 0.0073%; no homozygotes.

Submission:

Labcorp Genetics (formerly Invitae), Labcorp
Classification: Uncertain significance for Progressive myoclonic epilepsy. Last evaluated: 2019-07-01. Review status: criteria provided, single submitter. Criteria: Invitae Variant Classification Sherloc (09022015). Collection method: clinical testing. Allele origin: germline.
Comment: In summary, the available evidence is currently insufficient to determine the role of this variant in disease. Therefore, it has been classified as a Variant of Uncertain Significance. Algorithms developed to predict the effect of missense changes on protein structure and function are either unavailable or do not agree on the potential impact of this missense change (SIFT: "Tolerated"; PolyPhen-2: "Possibly Damaging"; Align-GVGD: "Class C0"). This variant has not been reported in the literature in individuals with GOSR2-related conditions. This variant is not present in population databases (ExAC no frequency). This sequence change replaces glutamine with arginine at codon 7 of the GOSR2 protein (p.Gln7Arg). The glutamine residue is highly conserved and there is a small physicochemical difference between glutamine and arginine.